The following is an entry in ClinVar:

ClinVar aggregate classification (germline): Likely benign. Review status: criteria provided, multiple submitters, no conflicts (2 of 4 stars). 2 submissions from 2 submitters: Likely benign (2). Last evaluated 2026-08-01.

Conditions:
Cardiovascular phenotype. Identifiers: MedGen CN230736.

Allele frequency attached by ClinVar (database versions not stated): 1000 Genomes Project 30x 0.00156; 1000 Genomes Project 0.00319.

Submissions (2):

CeGaT Center for Human Genetics Tuebingen
Classification: Likely benign. Last evaluated: 2026-08-01. Review status: criteria provided, single submitter. Criteria: CeGaT Center For Human Genetics Tuebingen Variant Classification Criteria Version 2. Collection method: clinical testing. Allele origin: germline. Affected: yes. Observed: 1 variant allele.
Comment: TNXB: BP4, BP7

Ambry Genetics
Classification: Likely benign for Cardiovascular phenotype. Last evaluated: 2021-04-29. Review status: criteria provided, single submitter. Criteria: Ambry Variant Classification Scheme 2023. Collection method: clinical testing. Allele origin: germline.

NM_001365276.2(TNXB):c.7560C>T (p.Pro2520=)

Gene: TNXB (tenascin XB; minus strand). Cytogenetic location: 6p21.33.
Variant type: single nucleotide variant.
Coding change: c.7560C>T on transcript NM_001365276.2 (MANE Select); coding-DNA position 7560, C replaced by T.
Protein change: p.Pro2520=; no amino-acid change (proline 2520 retained).
Molecular consequence: synonymous variant.
Genome position (GRCh38, 1-based): chr6:32,058,323, G>A on the plus strand (C>T on the coding strand, the complement: TNXB is on the minus strand). VCF-style: chr6-32058323-G-A. GRCh37 (hg19) VCF-style: chr6-32026100-G-A.
Other names: c.7560C>T, p.Pro2520= (NM_019105.8).
Identifiers: ClinVar variation 1759527 (VCV001759527.3), dbSNP rs536226559, ClinGen allele CA3734112.